The following is an entry in ClinVar:

NM_000384.3(APOB):c.2141G>T (p.Ser714Ile)

Gene: APOB (apolipoprotein B; minus strand). Cytogenetic location: 2p24.1.
Variant type: single nucleotide variant.
Coding change: c.2141G>T on transcript NM_000384.3 (MANE Select); coding-DNA position 2141, G replaced by T.
Protein change: p.Ser714Ile; replaces serine 714 with isoleucine.
Molecular consequence: missense variant.
Genome position (GRCh38, 1-based): chr2:21,026,891, C>A on the plus strand (G>T on the coding strand, the complement: APOB is on the minus strand). VCF-style: chr2-21026891-C-A. GRCh37 (hg19) VCF-style: chr2-21249763-C-A.
Other names: short protein forms S714I.
Identifiers: ClinVar variation 923523 (VCV000923523.10), dbSNP rs779427901, ClinGen allele CA055405.

ClinVar aggregate classification (germline): Conflicting classifications of pathogenicity. Review status: criteria provided, conflicting classifications (1 of 4 stars). 3 submissions from 3 submitters: Uncertain significance (1); Likely benign (1). 1 of the submissions does not count toward it. Last evaluated 2025-12-10.

Conditions:
Familial hypobetalipoproteinemia 1. Also called: Hypobetalipoproteinemia, normotriglyceridemic; Acanthocytosis with hypobetalipoproteinemia; APOB-Related Familial Hypobetalipoproteinemia. Identifiers: MedGen C4551990, MONDO:0014252, OMIM 615558.
Hypercholesterolemia, autosomal dominant, type B (FHCL2). Also called: Familial Hypercholesterolemia Type B; HYPERCHOLESTEROLEMIA, FAMILIAL, DUE TO LIGAND-DEFECTIVE APOLIPOPROTEIN B; Familial hypercholesterolemia 2; APOB-Related Familial Hypercholesterolemia, Autosomal Dominant; APOLIPOPROTEIN B-100, FAMILIAL DEFECTIVE; APOLIPOPROTEIN B-100, FAMILIAL LIGAND-DEFECTIVE. Identifiers: MedGen C1704417, MONDO:0007751, OMIM 144010.
Cardiovascular phenotype. Identifiers: MedGen CN230736.

Allele frequency attached by ClinVar (database versions not stated): gnomAD 0.00001; gnomAD exomes 0.00001 and 0.00002; TOPMed 0.00001; ExAC 0.00002.

Submissions (3):

Ambry Genetics
Classification: Uncertain significance for Cardiovascular phenotype. Last evaluated: 2025-12-10. Review status: criteria provided, single submitter. Criteria: Ambry Variant Classification Scheme 2023. Collection method: clinical testing. Allele origin: germline.
Comment: The p.S714I variant (also known as c.2141G>T), located in coding exon 15 of the APOB gene, results from a G to T substitution at nucleotide position 2141. The serine at codon 714 is replaced by isoleucine, an amino acid with dissimilar properties. This amino acid position is conserved. In addition, this alteration is predicted to be tolerated by in silico analysis. Based on the available evidence, the clinical significance of this variant remains unclear.

Labcorp Genetics (formerly Invitae), Labcorp
Classification: Likely benign for Familial hypobetalipoproteinemia 1; Hypercholesterolemia, autosomal dominant, type B. Last evaluated: 2023-08-07. Review status: criteria provided, single submitter. Criteria: Invitae Variant Classification Sherloc (09022015). Collection method: clinical testing. Allele origin: germline.

Department of Pathology and Laboratory Medicine, Sinai Health System
Classification: Uncertain significance. Review status: no assertion criteria provided. Collection method: clinical testing. Allele origin: unknown. Affected: yes. Study: The Canadian Open Genetics Repository (COGR). Not counted in ClinVar's aggregate classification.
Comment: The APOB p.Ser714Ile variant was not identified in the literature nor was it identified in ClinVar or LOVD 3.0. The variant was identified in dbSNP (ID: rs779427901) and in Cosmic (confirmed somatically in an endometroid carcinoma with a FATHMM prediction score of 0.94, pathogenic). The variant was identified in control databases in 6 of 282748 chromosomes at a frequency of 0.000021 (Genome Aggregation Database Feb 27, 2017). The variant was observed in the following populations: African in 3 of 24956 chromosomes (freq: 0.00012) and European (non-Finnish) in 3 of 129080 chromosomes (freq: 0.000023), while the variant was not observed in the Latino, Ashkenazi Jewish, East Asian, European (Finnish), Other or South Asian populations. The variant occurs outside of the splicing consensus sequence and in silico or computational prediction software programs (SpliceSiteFinder, MaxEntScan, NNSPLICE, and GeneSplicer) do not predict a difference in splicing. The p.Ser714 residue is conserved in mammals but not in more distantly related organisms, and four out of five computational analyses (PolyPhen-2, SIFT, BLOSUM, and MutationTaster) suggest that the variant may impact the protein; however, this information is not predictive enough to assume pathogenicity. In summary, based on the above information the clinical significance of this variant cannot be determined with certainty at this time. This variant is classified as a variant of uncertain significance.